The following is an entry in ClinVar:

NM_001430.5(EPAS1):c.1633A>G (p.Ile545Val)

Gene: EPAS1 (endothelial PAS domain protein 1; plus strand). Cytogenetic location: 2p21.
Variant type: single nucleotide variant.
Coding change: c.1633A>G on transcript NM_001430.5 (MANE Select); coding-DNA position 1633, A replaced by G.
Protein change: p.Ile545Val; replaces isoleucine 545 with valine.
Molecular consequence: missense variant.
Genome position (GRCh38, 1-based): chr2:46,380,305, A>G. VCF-style: chr2-46380305-A-G. GRCh37 (hg19) VCF-style: chr2-46607444-A-G.
Other names: short protein forms I545V.
Identifiers: ClinVar variation 3509009 (VCV003509009.1).
Genomic context (GRCh38, chr2:46,380,305, plus strand): 5'-GACTTGGAGACACTGGCACCCTATATCCCCATGGACGGGGAAGACTTCCAGCTAAGCCCC[A>G]TCTGCCCCGAGGAGCGGCTCTTGGCGGAGAACCCACAGTCCACCCCCCAGCACTGCTTCA-3'
Protein context (NP_001421.2, residues 535-555): MDGEDFQLSP[Ile545Val]CPEERLLAEN

ClinVar aggregate classification (germline): Uncertain significance (1 of 4 stars; one submission).

Conditions:
Inborn genetic diseases. Identifiers: MedGen C0950123, MeSH D030342.

gnomAD v4.1: 2 of 1,614,066 alleles (0.00012%); highest among the groups gnomAD compares: Non-Finnish European, 0.00017%; no homozygotes.

Submission:

Ambry Genetics
Classification: Uncertain significance for Inborn genetic diseases. Last evaluated: 2024-10-23. Review status: criteria provided, single submitter. Criteria: Ambry Variant Classification Scheme 2023. Collection method: clinical testing. Allele origin: germline.
Comment: The p.I545V variant (also known as c.1633A>G), located in coding exon 12 of the EPAS1 gene, results from an A to G substitution at nucleotide position 1633. The isoleucine at codon 545 is replaced by valine, an amino acid with highly similar properties. This amino acid position is conserved. In addition, the in silico prediction for this alteration is inconclusive. Based on the available evidence, the clinical significance of this variant remains unclear.